The following is an entry in ClinVar:

NM_005120.3(MED12):c.2548C>T (p.Arg850Trp)

Gene: MED12 (mediator complex subunit 12; plus strand). Cytogenetic location: Xq13.1.
Variant type: single nucleotide variant.
Coding change: c.2548C>T on transcript NM_005120.3 (MANE Select); coding-DNA position 2548, C replaced by T.
Protein change: p.Arg850Trp; replaces arginine 850 with tryptophan.
Molecular consequence: missense variant.
Genome position (GRCh38, 1-based): chrX:71,126,347, C>T. VCF-style: chrX-71126347-C-T. GRCh37 (hg19) VCF-style: chrX-70346197-C-T.
Other names: short protein forms R850W.
Identifiers: ClinVar variation 3634956 (VCV003634956.2).

ClinVar aggregate classification (germline): Uncertain significance (1 of 4 stars; one submission).

Conditions:
FG syndrome (FGS). Identifiers: MedGen C0220769, MONDO:0002010.

Submission:

Labcorp Genetics (formerly Invitae), Labcorp
Classification: Uncertain significance for FG syndrome. Last evaluated: 2024-12-30. Review status: criteria provided, single submitter. Criteria: Invitae Variant Classification Sherloc (09022015). Collection method: clinical testing. Allele origin: germline.
Comment: This sequence change replaces arginine, which is basic and polar, with tryptophan, which is neutral and slightly polar, at codon 850 of the MED12 protein (p.Arg850Trp). This variant is not present in population databases (gnomAD no frequency). This variant has not been reported in the literature in individuals affected with MED12-related conditions. Invitae Evidence Modeling of protein sequence and biophysical properties (such as structural, functional, and spatial information, amino acid conservation, physicochemical variation, residue mobility, and thermodynamic stability) has been performed for this missense variant. However, the output from this modeling did not meet the statistical confidence thresholds required to predict the impact of this variant on MED12 protein function. In summary, the available evidence is currently insufficient to determine the role of this variant in disease. Therefore, it has been classified as a Variant of Uncertain Significance.